The following is an entry in ClinVar:

ClinVar aggregate classification (germline): Uncertain significance. Review status: criteria provided, multiple submitters, no conflicts (2 of 4 stars). 2 submissions from 2 submitters: Uncertain significance (2). Last evaluated 2025-05-02.

Conditions:
Inborn genetic diseases. Identifiers: MedGen C0950123, MeSH D030342.

Allele frequency attached by ClinVar (database versions not stated): gnomAD 0.00001.
gnomAD v4.1: 6 of 1,612,376 alleles (0.00037%); highest among the groups gnomAD compares: Non-Finnish European, 0.00051%; no homozygotes.

Submissions (2):

Ambry Genetics
Classification: Uncertain significance for Inborn genetic diseases. Last evaluated: 2025-05-02. Review status: criteria provided, single submitter. Criteria: Ambry Variant Classification Scheme 2023. Collection method: clinical testing. Allele origin: germline.
Comment: The p.D730G variant (also known as c.2189A>G), located in coding exon 21 of the ANKRD26 gene, results from an A to G substitution at nucleotide position 2189. The aspartic acid at codon 730 is replaced by glycine, an amino acid with similar properties. This amino acid position is conserved. In addition, this alteration is predicted to be tolerated by in silico analysis. Based on the available evidence, the clinical significance of this variant remains unclear.

GeneDx
Classification: Uncertain significance. Last evaluated: 2022-12-20. Review status: criteria provided, single submitter. Criteria: GeneDx Variant Classification Process June 2021. Collection method: clinical testing. Allele origin: germline. Affected: yes.
Comment: Not observed at significant frequency in large population cohorts (gnomAD); In silico analysis supports that this missense variant has a deleterious effect on protein structure/function; Has not been previously published as pathogenic or benign to our knowledge

NM_014915.3(ANKRD26):c.2189A>G (p.Asp730Gly)

Gene: ANKRD26 (ankyrin repeat domain containing 26; minus strand). Cytogenetic location: 10p12.1.
Variant type: single nucleotide variant.
Coding change: c.2189A>G on transcript NM_014915.3 (MANE Select); coding-DNA position 2189, A replaced by G.
Protein change: p.Asp730Gly; replaces aspartic acid 730 with glycine.
Molecular consequence: missense variant.
Genome position (GRCh38, 1-based): chr10:27,040,151, T>C on the plus strand (A>G on the coding strand, the complement: ANKRD26 is on the minus strand). VCF-style: chr10-27040151-T-C. GRCh37 (hg19) VCF-style: chr10-27329080-T-C.
Other names: c.2186A>G, p.Asp729Gly (NM_001256053.2); short protein forms D729G, D730G.
Identifiers: ClinVar variation 2506641 (VCV002506641.2), dbSNP rs1184397249, ClinGen allele CA376367926.